The following is an entry in ClinVar:

ClinVar aggregate classification (germline): Uncertain significance (0 of 4 stars; one submission).

Conditions:
APOB-related disorder. Also called: APOB-related condition; APOB-related disorders.

Allele frequency attached by ClinVar (database versions not stated): gnomAD exomes below 0.00001.
gnomAD v4.1: 1 of 1,569,258 alleles (0.000064%); highest among the groups gnomAD compares: Non-Finnish European, 0.000086%; no homozygotes.

Submission:

PreventionGenetics, part of Exact Sciences
Classification: Uncertain significance for APOB-related condition. Last evaluated: 2024-02-08. Review status: no assertion criteria provided. Collection method: clinical testing. Allele origin: germline.
Comment: The APOB c.12404G>T variant is predicted to result in the amino acid substitution p.Ser4135Ile. To our knowledge, this variant has not been reported in the literature or in a large population database, indicating this variant is rare. At this time, the clinical significance of this variant is uncertain due to the absence of conclusive functional and genetic evidence.

NM_000384.3(APOB):c.12404G>T (p.Ser4135Ile)

Gene: APOB (apolipoprotein B; minus strand). Cytogenetic location: 2p24.1.
Variant type: single nucleotide variant.
Coding change: c.12404G>T on transcript NM_000384.3 (MANE Select); coding-DNA position 12404, G replaced by T.
Protein change: p.Ser4135Ile; replaces serine 4135 with isoleucine.
Molecular consequence: missense variant.
Genome position (GRCh38, 1-based): chr2:21,003,018, C>A on the plus strand (G>T on the coding strand, the complement: APOB is on the minus strand). VCF-style: chr2-21003018-C-A. GRCh37 (hg19) VCF-style: chr2-21225890-C-A.
Other names: short protein forms S4135I.
Identifiers: ClinVar variation 3061348 (VCV003061348.2), dbSNP rs1663033324, ClinGen allele CA345971327.